The following is an entry in ClinVar:

ClinVar aggregate classification (germline): Pathogenic/Likely pathogenic. Review status: criteria provided, multiple submitters, no conflicts (2 of 4 stars). 10 submissions from 10 submitters: Pathogenic (6); Likely pathogenic (2). 2 of the submissions do not count toward it. Last evaluated 2026-07-28.

Conditions:
Cardiac arrhythmia. Also called: Arrhythmia; Cardiac rhythm disease. Identifiers: MedGen C0003811, MONDO:0007263, HP:0011675.
Familial long QT syndrome (RWS). Also called: VENTRICULAR FIBRILLATION WITH PROLONGED QT INTERVAL; Romano-Ward syndrome; Congenital long QT syndrome. Identifiers: Orphanet 768, MedGen C1141890, MONDO:0019171.
Long QT syndrome (LQTS). Identifiers: MedGen C0023976, MeSH D008133, MONDO:0002442. Disease mechanism: loss of function. Inheritance: Various modes of inheritance.
Long QT syndrome 1 (LQT1). Identifiers: Orphanet 101016, Orphanet 768, MedGen C4551647, MONDO:0100316, OMIM 192500, MONDO:0008646.
KCNQ1-related disorder. Also called: KCNQ1-related condition; KCNQ1-related disorders. Identifiers: MedGen CN239322.
Cardiovascular phenotype. Identifiers: MedGen CN230736.

gnomAD v4.1: 2 of 1,613,736 alleles (0.00012%); highest among the groups gnomAD compares: Non-Finnish European, 0.00017%; no homozygotes.

Submissions (10):

GeneDx
Classification: Pathogenic. Last evaluated: 2026-07-28. Review status: criteria provided, single submitter. Criteria: GeneDx Variant Classification Process June 2021. Collection method: clinical testing. Allele origin: germline.
Comment: Identified in patients with LQTS or suspected LQTS referred for genetic testing at GeneDx and in published literature (PMID: 23098067, 27479201, 26669661, 31737537); Nonsense variant predicted to result in protein truncation or nonsense mediated decay in a gene for which loss of function is a known mechanism of disease; Not observed at significant frequency in large population cohorts (gnomAD); This variant is associated with the following publications: (PMID: 34505893, 23098067, 23631430, 27479201, 31737537, 31541171, 26669661, 33087929, 32686758, 37449562, 37937776, 39096151)

Labcorp Genetics (formerly Invitae), Labcorp
Classification: Pathogenic for Long QT syndrome. Last evaluated: 2025-07-13. Review status: criteria provided, single submitter. Criteria: Invitae Variant Classification Sherloc (09022015). Collection method: clinical testing. Allele origin: germline.
Comment: This sequence change creates a premature translational stop signal (p.Arg594*) in the KCNQ1 gene. While this is not anticipated to result in nonsense mediated decay, it is expected to disrupt the last 83 amino acid(s) of the KCNQ1 protein. This variant is not present in population databases (gnomAD no frequency). This premature translational stop signal has been observed in individual(s) with KCNQ1-related conditions (PMID: 31737537, 32686758, 34505893). ClinVar contains an entry for this variant (Variation ID: 200858). This variant disrupts a region of the KCNQ1 protein in which other variant(s) (p.Arg632Glnfs*20) have been determined to be pathogenic (PMID: 10024302, 16981927, 19825999, 23098067, 23631430, 25187895). This suggests that this is a clinically significant region of the protein, and that variants that disrupt it are likely to be disease-causing. For these reasons, this variant has been classified as Pathogenic.

Color Diagnostics, LLC DBA Color Health
Classification: Pathogenic for Cardiac arrhythmia. Last evaluated: 2024-01-04. Review status: criteria provided, single submitter. Criteria: ACMG Guidelines, 2015. Collection method: clinical testing. Allele origin: germline.
Comment: This variant changes 1 nucleotide in exon 15 of the KCNQ1 gene, creating a premature translation stop signal in the penultimate exon. The mutant transcript is expected to escape nonsense-mediated decay and be expressed as a protein product containing an altered C-terminal sequence in the cytoplasmic coiled-coil domain (a.a. 588-622). The C-terminal cytoplasmic coiled-coil domain mediates tetramerization (PMID: 18165683, 19693805, 19825999) and formation of a functional channel (PMID: 10654932). This variant has been reported in at least five individuals affected with long QT syndrome (PMID: 26669661, 27479201, 29095814, 32893267, 37449562) and in another two individuals suspected of having long QT syndrome (PMID: 23098067, 23631430). This variant has also been reported in 103 individuals enrolled in a large population study and has shown a significant association with prolonged QTc interval in the Icelandic population (PMID: 37449562). This variant has not been identified in the general population by the Genome Aggregation Database (gnomAD). Loss of KCNQ1 function is a known mechanism of disease. Based on the available evidence, this variant is classified as Pathogenic.

All of Us Research Program, National Institutes of Health
Classification: Pathogenic for Long QT syndrome. Last evaluated: 2023-11-10. Review status: criteria provided, single submitter. Criteria: ACMG Guidelines, 2015. Collection method: clinical testing. Allele origin: germline. Inheritance: Autosomal dominant inheritance. Observed: 1 variant allele, 1 heterozygote.
Comment: The c.1780C>T (p.Arg594*) variant is in the penultimate exon of KCNQ1 gene, that encodes for potassium voltage-gated channel subfamily Q member 1, creates a premature termination codon that is predicted to lead to an absent or truncated protein product. This variant has been identified in heterozygous status in at least seven individuals with Long QT syndrome (LQTS) (PMID: 23098067, 26669661, 32893267, 29095814, 23631430). This variant was reported in an exome testing cohort participant, but detailed clinical details were not available (PMID: 32686758). This variant has also been reported in a prenatal case with LQTS who has a family history of two neonatal deaths and sudden death of maternal grandfather due to myocardial infarction; while proband?s mother who carried this variant was asymptomatic (PMID: 27479201). Loss of function variants are well known to be pathogenic for KCNQ1 (PMID: 26669661, 29532034, 23098067). Truncating variants downstream of this variant are reported in individuals with Long QT syndrome (PMID: 23098067, 19716085, 30847666) and interpreted as likely pathogenic/ pathogenic by several ClinVar submitters (ClinVar ID:405264, 1171410, 1185062, 200861, 928774). This variant is found to be absent in the general population database (gnomAD) and interpreted as likely pathogenic/ pathogenic by several submitters in the ClinVar database (ClinVar ID: 200858). Therefore, the c.1780C>T (p.Arg594*) variant in the KCNQ1 gene is classified as pathogenic.

This study involves interpretation of variants in research participants for the purpose of population health screening. Participant phenotype was not available at the time of variant classification. Additional details can be found in publication PMID: 35346344, PMCID: PMC8962531

Blueprint Genetics
Classification: Pathogenic for KCNQ1-related disorders. Last evaluated: 2022-12-13. Review status: criteria provided, single submitter. Criteria: ACMG Guidelines, 2015. Collection method: clinical testing. Allele origin: germline. Affected: yes. Observed: 2 variant alleles.

MGZ Medical Genetics Center
Classification: Likely pathogenic for Long QT syndrome 1. Last evaluated: 2022-05-27. Review status: criteria provided, single submitter. Criteria: ACMG Guidelines, 2015. Collection method: clinical testing. Allele origin: germline. Affected: yes. Observed: 2 variant alleles.
Comment: ACMG criteria applied: PVS1_STR, PS4_MOD, PM2_SUP, PP1

Ambry Genetics
Classification: Pathogenic for Cardiovascular phenotype. Last evaluated: 2020-12-17. Review status: criteria provided, single submitter. Criteria: Ambry Variant Classification Scheme 2023. Collection method: clinical testing. Allele origin: germline.
Comment: The p.R594* pathogenic mutation (also known as c.1780C>T), located in coding exon 15 of the KCNQ1 gene, results from a C to T substitution at nucleotide position 1780. This changes the amino acid from an arginine to a stop codon within coding exon 15. This alteration occurs at the 3' terminus of theKCNQ1 gene, is not expected to trigger nonsense-mediated mRNA decay, and only impacts the last 12% of the protein. However, premature stop codons are typically deleterious in nature and the impacted region is critical for protein function (Ambry internal data). This alteration has been reported in individuals with long QT syndrome, including a prenatal onset case with an asymptomatic mother also reported to have this variant (Qureshi SF et al. Indian Pacing Electrophysiol J Dec;15:269-85; Stattin EL et al. BMC Cardiovasc Disord, 2012 Oct;12:95). This alteration was also reported in an exome testing cohort participant, but cardiac clinical details were not available (Ormondroyd E et al. Eur J Hum Genet, 2020 Nov;28:1486-1496). Based on the supporting evidence, this alteration is interpreted as a disease-causing mutation.

Laboratory for Molecular Medicine, Mass General Brigham Personalized Medicine
Classification: Likely pathogenic for Familial long QT syndrome. Last evaluated: 2020-02-07. Review status: criteria provided, single submitter. Criteria: LMM Criteria. Collection method: clinical testing. Allele origin: germline. Inheritance: Autosomal dominant inheritance. Observed: 1 variant allele.
Comment: The p.Arg594X variant in KCNQ1 has been reported in 2 individuals with long QT syndrome (LQTS; Stattin 2012, Itoh 2015). Additionally, this variant has been reported by other clinical laboratories in ClinVar (Variation ID 200858). It is absent from large population studies. This nonsense variant leads to a premature termination codon at position 594. This alteration occurs within the terminal 50 bases of the second to last exon and is more likely to escape nonsense mediated decay (NMD) and result in a truncated protein that is missing 12% of the coding region, with 84 amino acids removed. Loss-of-function variants in KCNQ1 downstream of the p.Arg594X variant have been reported in individuals with LQTS. In summary, although additional studies are required to fully establish its clinical significance, this variant meets criteria to be classified as likely pathogenic for autosomal dominant LQTS. ACMG/AMP Criteria applied: PVS1_Strong, PM2, PS4_Supporting.

deCODE genetics, Amgen
Classification: Pathogenic for Long QT syndrome 1. Last evaluated: 2023-07-21. Review status: no assertion criteria provided. Collection method: research. Allele origin: germline. Affected: yes. Observed: 64 variant alleles. Not counted in ClinVar's aggregate classification.
Comment: The variant NM_000218.3:c.1780C>T (chr11:2778023) in KCNQ1 was detected in 29 heterozygotes out of 58K WGS Icelanders (MAF= 0,025%). Following imputation in a set of 166K Icelanders (64 imputed heterozygotes) we observed an association with an elongation of the qt interval on ECG using measurements from 80068 individuals (Effect (SD)= 1.17, P= 4.48e-06). This variant has been reported in ClinVar previously as pathogenic. Based on ACMG criteria (PVS1, PS4, PP5) this variant classifies as pathogenic.

Genetic Testing Center for Deafness, Department of Otolaryngology Head & Neck Surgery, Institute of Otolaryngology, Chinese PLA General Hospital
Classification: Likely pathogenic for Long QT syndrome 1. Last evaluated: 2019-02-26. Review status: no assertion criteria provided. Collection method: case-control. Allele origin: inherited. Affected: yes. Observed: 1 variant allele. Not counted in ClinVar's aggregate classification.

Literature cited by the submitters: PubMed 31737537 (cited by Labcorp Genetics (formerly Invitae), Labcorp); PubMed 32686758 (cited by 3 submitters); PubMed 34505893 (cited by Labcorp Genetics (formerly Invitae), Labcorp); PubMed 10024302 (cited by Labcorp Genetics (formerly Invitae), Labcorp); PubMed 16981927 (cited by Labcorp Genetics (formerly Invitae), Labcorp); PubMed 19825999 (cited by Labcorp Genetics (formerly Invitae), Labcorp and Color Diagnostics, LLC DBA Color Health); PubMed 23098067 (cited by 5 submitters); PubMed 23631430 (cited by 3 submitters); PubMed 25187895 (cited by Labcorp Genetics (formerly Invitae), Labcorp); PubMed 10654932 (cited by Color Diagnostics, LLC DBA Color Health); PubMed 18165683 (cited by Color Diagnostics, LLC DBA Color Health); PubMed 19693805 (cited by Color Diagnostics, LLC DBA Color Health); PubMed 26669661 (cited by 3 submitters); PubMed 27479201 (cited by 4 submitters); PubMed 29095814 (cited by Color Diagnostics, LLC DBA Color Health and All of Us Research Program, National Institutes of Health); PubMed 32893267 (cited by Color Diagnostics, LLC DBA Color Health and All of Us Research Program, National Institutes of Health); PubMed 37449562 (cited by Color Diagnostics, LLC DBA Color Health); PubMed 19716085 (cited by All of Us Research Program, National Institutes of Health); PubMed 29532034 (cited by All of Us Research Program, National Institutes of Health); PubMed 30847666 (cited by All of Us Research Program, National Institutes of Health).

NM_000218.3(KCNQ1):c.1780C>T (p.Arg594Ter)

Gene: KCNQ1 (potassium voltage-gated channel subfamily Q member 1; plus strand). Cytogenetic location: 11p15.5.
Variant type: single nucleotide variant.
Coding change: c.1780C>T on transcript NM_000218.3 (MANE Select); coding-DNA position 1780, C replaced by T.
Protein change: p.Arg594Ter; replaces arginine 594 with a stop codon.
Molecular consequence: nonsense.
Genome position (GRCh38, 1-based): chr11:2,778,023, C>T. VCF-style: chr11-2778023-C-T. GRCh37 (hg19) VCF-style: chr11-2799253-C-T.
Other names: p.R594*:CGA>TGA; c.1684C>T, p.Arg562Ter (NM_001406836.1); c.1510C>T, p.Arg504Ter (NM_001406837.1); c.1240C>T, p.Arg414Ter (NM_001406838.1); c.292C>T, p.Arg98Ter (NM_001406839.1); c.1399C>T, p.Arg467Ter (NM_181798.2); short protein forms R467*, R594*, R504*, R562*, R414*, R98*.
Identifiers: ClinVar variation 200858 (VCV000200858.42), dbSNP rs794728537, ClinGen allele CA006380.